The following is an entry in ClinVar:

ClinVar aggregate classification (germline): Pathogenic. Review status: criteria provided, multiple submitters, no conflicts (2 of 4 stars). 2 submissions from 2 submitters: Pathogenic (2). Last evaluated 2025-04-16.

Conditions:
Osteogenesis imperfecta type I (OI1). Also called: OI, TYPE I; OSTEOGENESIS IMPERFECTA TARDA; OSTEOGENESIS IMPERFECTA WITH BLUE SCLERAE; Osteogenesis imperfecta type 1; Lobstein's Disease; Lobstein disease. Identifiers: Orphanet 216796, Orphanet 666, MedGen C0023931, MONDO:0008146, OMIM 166200. Disease mechanism: loss of function.

Submissions (2):

MVZ Martinsried, Medicover Genetics
Classification: Pathogenic for Osteogenesis imperfecta type I. Last evaluated: 2025-04-16. Review status: criteria provided, single submitter. Criteria: ACGS Guidelines, 2020. Collection method: clinical testing. Allele origin: unknown. Affected: yes. Observed: 1 heterozygote.

Labcorp Genetics (formerly Invitae), Labcorp
Classification: Pathogenic for Osteogenesis imperfecta type I. Last evaluated: 2024-06-13. Review status: criteria provided, single submitter. Criteria: Invitae Variant Classification Sherloc (09022015). Collection method: clinical testing. Allele origin: germline.
Comment: This sequence change creates a premature translational stop signal (p.Trp53*) in the COL1A1 gene. It is expected to result in an absent or disrupted protein product. Loss-of-function variants in COL1A1 are known to be pathogenic (PMID: 7942841, 9295084, 9443882). This variant is not present in population databases (gnomAD no frequency). This premature translational stop signal has been observed in individual(s) with osteogenesis imperfecta type IV (PMID: 30886339). ClinVar contains an entry for this variant (Variation ID: 2419144). For these reasons, this variant has been classified as Pathogenic.

Literature cited by the submitters: PubMed 7942841 (cited by Labcorp Genetics (formerly Invitae), Labcorp); PubMed 9295084 (cited by Labcorp Genetics (formerly Invitae), Labcorp); PubMed 9443882 (cited by Labcorp Genetics (formerly Invitae), Labcorp); PubMed 30886339 (cited by Labcorp Genetics (formerly Invitae), Labcorp).

NM_000088.4(COL1A1):c.158G>A (p.Trp53Ter)

Gene: COL1A1 (collagen type I alpha 1 chain; minus strand). Cytogenetic location: 17q21.33.
Variant type: single nucleotide variant.
Coding change: c.158G>A on transcript NM_000088.4 (MANE Select); coding-DNA position 158, G replaced by A.
Protein change: p.Trp53Ter; replaces tryptophan 53 with a stop codon.
Molecular consequence: nonsense.
Genome position (GRCh38, 1-based): chr17:50,199,893, C>T on the plus strand (G>A on the coding strand, the complement: COL1A1 is on the minus strand). VCF-style: chr17-50199893-C-T. GRCh37 (hg19) VCF-style: chr17-48277254-C-T.
Other names: short protein forms W53*.
Identifiers: ClinVar variation 2419144 (VCV002419144.7), dbSNP rs2509259293, ClinGen allele CA400228548.
Genomic context (GRCh38, chr17:50,199,893, plus strand): 5'-ACGTCATCGCACAACACCTTGCCGTTGTCGCAGACGCAGATCCGGCAGGGCTCGGGTTTC[C>T]ACACGTCTCGGTCATGGTACCTGAGGCCGTTCTGTACGCAGGTGATTGGTGGGACTGGGA-3'